The following is an entry in ClinVar:

NM_007373.4(SHOC2):c.1335A>G (p.Gly445=)

Gene: SHOC2 (SHOC2 leucine rich repeat scaffold protein; plus strand). Cytogenetic location: 10q25.2.
Variant type: single nucleotide variant.
Coding change: c.1335A>G on transcript NM_007373.4 (MANE Select); coding-DNA position 1335, A replaced by G.
Protein change: p.Gly445=; no amino-acid change (glycine 445 retained).
Molecular consequence: synonymous variant. On other transcripts: non-coding transcript variant (1).
Genome position (GRCh38, 1-based): chr10:111,009,298, A>G. VCF-style: chr10-111009298-A-G. GRCh37 (hg19) VCF-style: chr10-112769056-A-G.
Other names: c.1197A>G, p.Gly399= (NM_001269039.3); c.1335A>G, p.Gly445= (NM_001324336.2, NM_001324337.2).
Identifiers: ClinVar variation 1770221 (VCV001770221.8), dbSNP rs1441866772, ClinGen allele CA471466559.

ClinVar aggregate classification (germline): Likely benign. Review status: criteria provided, multiple submitters, no conflicts (2 of 4 stars). 3 submissions from 3 submitters: Likely benign (3). Last evaluated 2023-07-31.

Conditions:
RASopathy. Also called: rasopathies; Noonan spectrum disorder. Identifiers: Orphanet 536391, MedGen C5555857, MONDO:0021060.
Cardiovascular phenotype. Identifiers: MedGen CN230736.

Allele frequency attached by ClinVar (database versions not stated): TOPMed below 0.00001; gnomAD 0.00001; gnomAD exomes 0.00001.
gnomAD v4.1: 11 of 1,597,634 alleles (0.00069%); highest among the groups gnomAD compares: South Asian, 0.012%; no homozygotes.

Submissions (3):

Labcorp Genetics (formerly Invitae), Labcorp
Classification: Likely benign for RASopathy. Last evaluated: 2023-07-31. Review status: criteria provided, single submitter. Criteria: Invitae Variant Classification Sherloc (09022015). Collection method: clinical testing. Allele origin: germline.

Women's Health and Genetics/Laboratory Corporation of America, LabCorp
Classification: Likely benign. Last evaluated: 2022-12-19. Review status: criteria provided, single submitter. Criteria: LabCorp Variant Classification Summary - May 2015. Collection method: clinical testing. Allele origin: germline.
Comment: Variant summary: SHOC2 c.1335A>G alters a non-conserved nucleotide resulting in a synonymous change. The variant allele was found at a frequency of 4e-06 in 250336 control chromosomes (gnomAD). The available data on variant occurrences in the general population are insufficient to allow any conclusion about variant significance. To our knowledge, no occurrence of c.1335A>G in individuals affected with Noonan Syndrome With Loose Anagen Hair and no experimental evidence demonstrating its impact on protein function have been reported. One clinical diagnostic laboratory has submitted clinical-significance assessments for this variant to ClinVar after 2014 and classified the variant as likely benign. Based on the evidence outlined above, the variant was classified as likely benign.

Ambry Genetics
Classification: Likely benign for Cardiovascular phenotype. Last evaluated: 2020-03-13. Review status: criteria provided, single submitter. Criteria: Ambry Variant Classification Scheme 2023. Collection method: clinical testing. Allele origin: germline.